The following is an entry in ClinVar:

ClinVar aggregate classification (germline): Uncertain significance (1 of 4 stars; one submission).

Conditions:
Inborn genetic diseases. Identifiers: MedGen C0950123, MeSH D030342.

Submission:

Ambry Genetics
Classification: Uncertain significance for Inborn genetic diseases. Last evaluated: 2026-02-16. Review status: criteria provided, single submitter. Criteria: Ambry Variant Classification Scheme 2023. Collection method: clinical testing. Allele origin: germline.
Comment: The p.I145M variant (also known as c.435T>G), located in coding exon 2 of the ERCC6L2 gene, results from a T to G substitution at nucleotide position 435. The isoleucine at codon 145 is replaced by methionine, an amino acid with highly similar properties. This amino acid position is conserved. In addition, this alteration is predicted to be deleterious by in silico analysis. Based on the available evidence, the clinical significance of this variant remains unclear.

NM_020207.7(ERCC6L2):c.435T>G (p.Ile145Met)

Gene: ERCC6L2 (ERCC excision repair 6 like 2; plus strand). Cytogenetic location: 9q22.32.
Variant type: single nucleotide variant.
Coding change: c.435T>G on transcript NM_020207.7 (MANE Select); coding-DNA position 435, T replaced by G.
Protein change: p.Ile145Met; replaces isoleucine 145 with methionine.
Molecular consequence: missense variant. On other transcripts: non-coding transcript variant (1).
Genome position (GRCh38, 1-based): chr9:95,881,257, T>G. VCF-style: chr9-95881257-T-G. GRCh37 (hg19) VCF-style: chr9-98643539-T-G.
Other names: c.435T>G, p.Ile145Met (NM_001010895.4, NM_001375291.1, NM_001375292.1 and 2 more transcripts); short protein forms I145M.
Identifiers: ClinVar variation 4825654 (VCV004825654.1).